The following is an entry in ClinVar:

NM_000138.5(FBN1):c.7892G>T (p.Cys2631Phe)

Gene: FBN1 (fibrillin 1; minus strand). Cytogenetic location: 15q21.1.
Variant type: single nucleotide variant.
Coding change: c.7892G>T on transcript NM_000138.5 (MANE Select); coding-DNA position 7892, G replaced by T.
Protein change: p.Cys2631Phe; replaces cysteine 2631 with phenylalanine.
Molecular consequence: missense variant.
Genome position (GRCh38, 1-based): chr15:48,415,695, C>A on the plus strand (G>T on the coding strand, the complement: FBN1 is on the minus strand). VCF-style: chr15-48415695-C-A. GRCh37 (hg19) VCF-style: chr15-48707892-C-A.
Other names: short protein forms C2631F.
Identifiers: ClinVar variation 549439 (VCV000549439.26), dbSNP rs111856492, ClinGen allele CA269519052.
Genomic context (GRCh38, chr15:48,415,695, plus strand): 5'-TCATTGATGTCTTGGCATCCTCCACTGAACTGTTCATACTGGAAGCCGGCGGGACACATG[C>A]ACTTGTAGCTCCCCAGGGTGTTGTGACAGGAGGCTCCTCCGCAGATGTGAGCGCTGAGGC-3'
Protein context (NP_000129.3, residues 2621-2641): SCHNTLGSYK[Cys2631Phe]MCPAGFQYEQ

ClinVar aggregate classification (germline): Pathogenic/Likely pathogenic. Review status: criteria provided, multiple submitters, no conflicts (2 of 4 stars). 4 submissions from 4 submitters: Pathogenic (1); Likely pathogenic (2). 1 of the submissions does not count toward it. Last evaluated 2024-04-04.

Conditions:
Familial thoracic aortic aneurysm and aortic dissection (TAAD). Also called: Thoracic aortic aneurysms and dissections. Identifiers: Orphanet 91387, MedGen C4707243, MONDO:0019625.
Marfan syndrome (MFS). Also called: Marfan syndrome type 1; Marfan syndrome, classic; Marfan's syndrome; FBN1-Related Marfan Syndrome; MARFAN SYNDROME, TYPE I. Identifiers: Orphanet 284963, Orphanet 558, MedGen C0024796, MONDO:0007947, OMIM 154700.

Submissions (4):

GeneDx
Classification: Likely pathogenic. Last evaluated: 2024-04-04. Review status: criteria provided, single submitter. Criteria: GeneDx Variant Classification Process June 2021. Collection method: clinical testing. Allele origin: germline. Affected: yes.
Comment: Identified in patients with Marfan syndrome referred for genetic testing at GeneDx and in published literature (PMID: 35058154); Not observed at significant frequency in large population cohorts (gnomAD); Affects a cysteine residue within a calcium-binding EGF-like domain of the FBN1 gene, which may affect disulfide bonding and is predicted to alter the structure and function of the protein; cysteine substitutions in the calcium-binding EGF-like domains represent the majority of pathogenic missense changes associated with FBN1-related disorders (PMID: 12938084); In silico analysis supports that this missense variant has a deleterious effect on protein structure/function; This variant is associated with the following publications: (PMID: 12938084, 35058154)

Labcorp Genetics (formerly Invitae), Labcorp
Classification: Likely pathogenic for Marfan syndrome; Familial thoracic aortic aneurysm and aortic dissection. Last evaluated: 2022-12-02. Review status: criteria provided, single submitter. Criteria: Invitae Variant Classification Sherloc (09022015). Collection method: clinical testing. Allele origin: germline.
Comment: In summary, the currently available evidence indicates that the variant is pathogenic, but additional data are needed to prove that conclusively. Therefore, this variant has been classified as Likely Pathogenic. This variant affects a cysteine residue in the EGF-like, TGFBP or hybrid motif domains of FBN1. Cysteine residues are believed to be involved in intramolecular disulfide bridges and have been shown to be important for FBN1 protein structure (PMID: 16905551, 19349279). In addition, missense substitutions affecting cysteine residues within these domains are significantly overrepresented among patients with Marfan syndrome (PMID: 16571647, 17701892). Advanced modeling of protein sequence and biophysical properties (such as structural, functional, and spatial information, amino acid conservation, physicochemical variation, residue mobility, and thermodynamic stability) performed at Invitae indicates that this missense variant is expected to disrupt FBN1 protein function. ClinVar contains an entry for this variant (Variation ID: 549439). This variant has not been reported in the literature in individuals affected with FBN1-related conditions. This variant is not present in population databases (gnomAD no frequency). This sequence change replaces cysteine, which is neutral and slightly polar, with phenylalanine, which is neutral and non-polar, at codon 2631 of the FBN1 protein (p.Cys2631Phe).

Centre of Medical Genetics, University of Antwerp
Classification: Pathogenic for Marfan syndrome. Last evaluated: 2021-03-01. Review status: criteria provided, single submitter. Criteria: Submitter's publication. Collection method: research. Allele origin: unknown. Affected: yes.
Comment: PM2, PVS2, PP4

Center for Medical Genetics Ghent, University of Ghent
Classification: Likely pathogenic for Marfan syndrome. Last evaluated: 2017-11-07. Review status: no assertion criteria provided. Collection method: clinical testing. Allele origin: germline. Affected: yes. Not counted in ClinVar's aggregate classification.

Literature cited by the submitters: PubMed 16905551 (cited by Labcorp Genetics (formerly Invitae), Labcorp); PubMed 19349279 (cited by Labcorp Genetics (formerly Invitae), Labcorp); PubMed 16571647 (cited by Labcorp Genetics (formerly Invitae), Labcorp); PubMed 17701892 (cited by Labcorp Genetics (formerly Invitae), Labcorp).